The following is an entry in ClinVar:

ClinVar aggregate classification (germline): Uncertain significance (1 of 4 stars; one submission).

Conditions:
Familial thoracic aortic aneurysm and aortic dissection (TAAD). Also called: Thoracic aortic aneurysms and dissections. Identifiers: Orphanet 91387, MedGen C4707243, MONDO:0019625.

Submission:

Ambry Genetics
Classification: Uncertain significance for Familial thoracic aortic aneurysm and aortic dissection. Last evaluated: 2026-06-25. Review status: criteria provided, single submitter. Criteria: Ambry Variant Classification Scheme 2023. Collection method: clinical testing. Allele origin: germline.
Comment: The p.G528D variant (also known as c.1583G>A), located in coding exon 13 of the COL5A1 gene, results from a G to A substitution at nucleotide position 1583. The glycine at codon 528 is replaced by aspartic acid, an amino acid with similar properties. This amino acid position is conserved. In addition, the in silico prediction for this alteration is inconclusive. Based on the available evidence, the clinical significance of this variant remains unclear.

NM_000093.5(COL5A1):c.1583G>A (p.Gly528Asp)

Gene: COL5A1 (collagen type V alpha 1 chain; plus strand). Cytogenetic location: 9q34.3.
Variant type: single nucleotide variant.
Coding change: c.1583G>A on transcript NM_000093.5 (MANE Select); coding-DNA position 1583, G replaced by A.
Protein change: p.Gly528Asp; replaces glycine 528 with aspartic acid.
Molecular consequence: missense variant.
Genome position (GRCh38, 1-based): chr9:134,750,803, G>A. VCF-style: chr9-134750803-G-A. GRCh37 (hg19) VCF-style: chr9-137642649-G-A.
Other names: c.1583G>A, p.Gly528Asp (NM_001278074.1); short protein forms G528D.
Identifiers: ClinVar variation 5034808 (VCV005034808.1).
Genomic context (GRCh38, chr9:134,750,803, plus strand): 5'-GGTGCCACGTCACTGCTCCCAGAGTGACCCTTGTCTTACACTTGCAGTTCCGGTTTGGAG[G>A]TGGCGGCGATGCGGGCTCCAAAGGCCCCATGGTCTCAGCCCAGGAGTCCCAGGCGCAAGC-3'
Protein context (NP_000084.3, residues 518-538): TMLMLPFRFG[Gly528Asp]GGDAGSKGPM